The following is an entry in ClinVar:

NM_001365276.2(TNXB):c.859_860del (p.Arg287fs)

Gene: TNXB (tenascin XB; minus strand). Cytogenetic location: 6p21.33.
Variant type: Microsatellite.
Coding change: c.859_860del on transcript NM_001365276.2 (MANE Select); coding-DNA positions 859 to 860, 2 bases deleted (AG; older notation c.859_860delAG).
Protein change: p.Arg287fs; shifts the reading frame from arginine 287.
Molecular consequence: frameshift variant.
Genome position (GRCh38, 1-based): chr6:32,096,993-32,096,994, CT deleted on the plus strand (AG on the coding strand, the reverse complement: TNXB is on the minus strand); deleting any 2 consecutive bases within chr6:32,096,993-32,096,996 gives the same sequence; the c. name uses the placement nearest the transcript's 3' end. VCF-style (leftmost placement, unchanged base first): chr6-32096992-CCT-C. GRCh37 (hg19) VCF-style: chr6-32064769-CCT-C.
Other names: c.859_860del, p.Arg287fs (NM_001428335.1, NM_019105.8); short protein forms R287fs.
Identifiers: ClinVar variation 4880675 (VCV004880675.2).
Genomic context (GRCh38, chr6:32,096,992, plus strand): 5'-CCCACAGTCCTCGCCAGTGTAGCCGGGGTTACACACGCAGCGCCCATTCTCACAGCGCCC[CCT>C]CTGACTGCAACCGCGAGGGCAGCTCCTCATGCCACAGTCGTCACCAGTGTAGCCTGGGTC-3'

ClinVar aggregate classification (germline): Likely pathogenic (1 of 4 stars; one submission).

Conditions:
Ehlers-Danlos syndrome due to tenascin-X deficiency (EDSCLL1). Also called: Ehlers-Danlos syndrome, classic-like, 1; EHLERS-DANLOS SYNDROME, CLASSIC-LIKE; TNXB-Related Classical-Like Ehlers-Danlos Syndrome; EDS DUE TO TNX DEFICIENCY; TNX DEFICIENCY. Identifiers: Orphanet 230839, MedGen C1848029, MONDO:0011670, OMIM 606408.

Submission:

Dasa
Classification: Likely pathogenic for Ehlers-Danlos syndrome due to tenascin-X deficiency. Last evaluated: 2025-12-24. Review status: criteria provided, single submitter. Criteria: DASA Assertion Criteria. Collection method: clinical testing. Allele origin: germline.
Comment: NM_001365276.2(TNXB):c.859_860del (p.Arg287Glyfs*4) is a frameshift variant in TNXB predicted to alter the reading frame and introduce a premature termination codon and is predicted to result in an absent or altered protein product. Loss of function is an established disease mechanism for TNXB-associated disorders. Also, this variant is rare in population databases. Based on the currently available evidence, this variant is classified as likely pathogenic.